The following is an entry in ClinVar:

NM_012452.3(TNFRSF13B):c.577T>C (p.Cys193Arg)

Gene: TNFRSF13B (TNF receptor superfamily member 13B; minus strand). Cytogenetic location: 17p11.2.
Variant type: single nucleotide variant.
Coding change: c.577T>C on transcript NM_012452.3 (MANE Select); coding-DNA position 577, T replaced by C.
Protein change: p.Cys193Arg; replaces cysteine 193 with arginine.
Molecular consequence: missense variant.
Genome position (GRCh38, 1-based): chr17:16,940,380, A>G on the plus strand (T>C on the coding strand, the complement: TNFRSF13B is on the minus strand). VCF-style: chr17-16940380-A-G. GRCh37 (hg19) VCF-style: chr17-16843694-A-G.
Other names: short protein forms C193R.
Identifiers: ClinVar variation 449227 (VCV000449227.61), dbSNP rs764125338, ClinGen allele CA8413938.

ClinVar aggregate classification (germline): Conflicting classifications of pathogenicity. Review status: criteria provided, conflicting classifications (1 of 4 stars). 6 submissions from 6 submitters: Uncertain significance (5); Likely benign (1). Last evaluated 2026-01-14.

Conditions:
Immunodeficiency, common variable, 2 (CVID2). Also called: HYPOGAMMAGLOBULINEMIA DUE TO TACI DEFICIENCY; ANTIBODY DEFICIENCY DUE TO TACI DEFECT. Identifiers: Orphanet 1572, MedGen C3150354, MONDO:0009413, OMIM 240500.

Allele frequency attached by ClinVar (database versions not stated): ExAC 0.00006; gnomAD exomes 0.00008; gnomAD 0.00009; TOPMed 0.00011.
gnomAD v4.1: 129 of 1,613,944 alleles (0.008%); highest among the groups gnomAD compares: Non-Finnish European, 0.01%; no homozygotes.

Submissions (6):

Labcorp Genetics (formerly Invitae), Labcorp
Classification: Uncertain significance for Immunodeficiency, common variable, 2. Last evaluated: 2026-01-14. Review status: criteria provided, single submitter. Criteria: Invitae Variant Classification Sherloc (09022015). Collection method: clinical testing. Allele origin: germline.
Comment: This sequence change replaces cysteine, which is neutral and slightly polar, with arginine, which is basic and polar, at codon 193 of the TNFRSF13B protein (p.Cys193Arg). This variant is present in population databases (rs764125338, gnomAD 0.01%). This missense change has been observed in individual(s) with autoimmune lymphoproliferative syndrome and/or common variable immunodeficiency (PMID: 25569260, 33859323). ClinVar contains an entry for this variant (Variation ID: 449227). Invitae Evidence Modeling of protein sequence and biophysical properties (such as structural, functional, and spatial information, amino acid conservation, physicochemical variation, residue mobility, and thermodynamic stability) indicates that this missense variant is not expected to disrupt TNFRSF13B protein function with a negative predictive value of 95%. In summary, the available evidence is currently insufficient to determine the role of this variant in disease. Therefore, it has been classified as a Variant of Uncertain Significance.

Blueprint Genetics
Classification: Uncertain significance. Last evaluated: 2024-11-07. Review status: criteria provided, single submitter. Criteria: ACMG Guidelines, 2015. Collection method: clinical testing. Allele origin: germline.

CeGaT Center for Human Genetics Tuebingen
Classification: Uncertain significance. Last evaluated: 2024-06-01. Review status: criteria provided, single submitter. Criteria: CeGaT Center For Human Genetics Tuebingen Variant Classification Criteria Version 2. Collection method: clinical testing. Allele origin: germline. Affected: yes. Observed: 3 variant alleles.

GeneDx
Classification: Uncertain significance. Last evaluated: 2024-04-21. Review status: criteria provided, single submitter. Criteria: GeneDx Variant Classification Process June 2021. Collection method: clinical testing. Allele origin: germline. Affected: yes.
Comment: In silico analysis supports that this missense variant has a deleterious effect on protein structure/function; This variant is associated with the following publications: (PMID: 25569260, 33838017, 33859323, Cepniler2023[casereport], 36703223)

Dubai Health Genomic Medicine Center, Dubai Health
Classification: Uncertain significance. Last evaluated: 2022-12-17. Review status: criteria provided, single submitter. Criteria: ACMG Guidelines, 2015. Collection method: clinical testing. Allele origin: germline. Affected: yes.

ARUP Laboratories, Molecular Genetics and Genomics, ARUP Laboratories
Classification: Likely benign. Last evaluated: 2019-06-18. Review status: criteria provided, single submitter. Criteria: ARUP Molecular Germline Variant Investigation Process. Collection method: clinical testing. Allele origin: germline.

Literature cited by the submitters: PubMed 25569260 (cited by Labcorp Genetics (formerly Invitae), Labcorp); PubMed 33859323 (cited by Labcorp Genetics (formerly Invitae), Labcorp).